The following is an entry in ClinVar:

NM_002941.4(ROBO1):c.3730C>G (p.Arg1244Gly)

Gene: ROBO1 (roundabout guidance receptor 1; minus strand). Cytogenetic location: 3p12.3.
Variant type: single nucleotide variant.
Coding change: c.3730C>G on transcript NM_002941.4 (MANE Select); coding-DNA position 3730, C replaced by G.
Protein change: p.Arg1244Gly; replaces arginine 1244 with glycine.
Molecular consequence: missense variant.
Genome position (GRCh38, 1-based): chr3:78,627,466, G>C on the plus strand (C>G on the coding strand, the complement: ROBO1 is on the minus strand). VCF-style: chr3-78627466-G-C. GRCh37 (hg19) VCF-style: chr3-78676616-G-C.
Other names: c.3430C>G, p.Arg1144Gly (NM_001145845.2); c.3595C>G, p.Arg1199Gly (NM_133631.4); short protein forms R1144G, R1199G, R1244G.
Identifiers: ClinVar variation 3623402 (VCV003623402.2).

ClinVar aggregate classification (germline): Uncertain significance (1 of 4 stars; one submission).

gnomAD v4.1: 6 of 1,613,006 alleles (0.00037%); highest among the groups gnomAD compares: Non-Finnish European, 0.00051%; no homozygotes.

Submission:

Labcorp Genetics (formerly Invitae), Labcorp
Classification: Uncertain significance. Last evaluated: 2024-03-19. Review status: criteria provided, single submitter. Criteria: Invitae Variant Classification Sherloc (09022015). Collection method: clinical testing. Allele origin: germline.
Comment: This sequence change replaces arginine, which is basic and polar, with glycine, which is neutral and non-polar, at codon 1244 of the ROBO1 protein (p.Arg1244Gly). This variant is not present in population databases (gnomAD no frequency). This variant has not been reported in the literature in individuals affected with ROBO1-related conditions. An algorithm developed to predict the effect of missense changes on protein structure and function (PolyPhen-2) suggests that this variant is likely to be disruptive. In summary, the available evidence is currently insufficient to determine the role of this variant in disease. Therefore, it has been classified as a Variant of Uncertain Significance.